The following is an entry in ClinVar:

ClinVar aggregate classification (germline): Uncertain significance (1 of 4 stars; one submission).

Conditions:
Hereditary factor IX deficiency disease (HEMB). Also called: F9 DEFICIENCY; FACTOR IX DEFICIENCY; PLASMA THROMBOPLASTIN COMPONENT DEFICIENCY; Hemophilia B; Christmas Disease. Identifiers: Orphanet 98879, MedGen C0008533, MeSH D002836, MONDO:0010604, OMIM 306900.
Thrombophilia, X-linked, due to factor 9 defect. Identifiers: MedGen C2749016, MONDO:0010432, OMIM 300807.

Submission:

Labcorp Genetics (formerly Invitae), Labcorp
Classification: Uncertain significance for Thrombophilia, X-linked, due to factor 9 defect; Hereditary factor IX deficiency disease. Last evaluated: 2022-10-03. Review status: criteria provided, single submitter. Criteria: Invitae Variant Classification Sherloc (09022015). Collection method: clinical testing. Allele origin: germline.
Comment: A copy number gain of the genomic region encompassing the full coding sequence of the F9 gene has been identified. The boundaries of this event are unknown as they extend beyond the assayed region for this gene and therefore may encompass additional genes. As the precise location of this event is unknown, it may be in tandem or it may be located elsewhere in the genome. This variant has not been reported in the literature in individuals affected with F9-related conditions. In summary, the available evidence is currently insufficient to determine the role of this variant in disease. Therefore, it has been classified as a Variant of Uncertain Significance.

NC_000023.10:g.(?_138612860)_(138914348_?)dup

Genes: ATP11C (ATPase phospholipid transporting 11C (ATP11C blood group); minus strand), F9 (coagulation factor IX; plus strand), MCF2 (MCF.2 cell line derived transforming sequence; minus strand). Cytogenetic location: Xq27.1.
Variant type: Duplication.
Identifiers: ClinVar variation 2422400 (VCV002422400.1).